The following is an entry in ClinVar:

NM_024913.5(CPED1):c.241A>G (p.Thr81Ala)

Gene: CPED1 (cadherin like and PC-esterase domain containing 1; plus strand). Cytogenetic location: 7q31.31.
Variant type: single nucleotide variant.
Coding change: c.241A>G on transcript NM_024913.5 (MANE Select); coding-DNA position 241, A replaced by G.
Protein change: p.Thr81Ala; replaces threonine 81 with alanine.
Molecular consequence: missense variant.
Genome position (GRCh38, 1-based): chr7:120,989,862, A>G. VCF-style: chr7-120989862-A-G. GRCh37 (hg19) VCF-style: chr7-120629916-A-G.
Other names: c.241A>G, p.Thr81Ala (NM_001105533.1); short protein forms T81A.
Identifiers: ClinVar variation 2657965 (VCV002657965.24), dbSNP rs117047013, ClinGen allele CA4454491.

ClinVar aggregate classification (germline): Likely benign (1 of 4 stars; one submission).

Allele frequency attached by ClinVar (database versions not stated): gnomAD 0.00071; gnomAD exomes 0.00087; 1000 Genomes Project 30x 0.00109; TOPMed 0.00109; ExAC 0.00110; ESP Exome Variant Server 0.00115; 1000 Genomes Project 0.00120.
gnomAD v4.1: 1,480 of 1,614,042 alleles (0.092%); highest among the groups gnomAD compares: Middle Eastern, 1.1%; 7 homozygotes.

Submission:

CeGaT Center for Human Genetics Tuebingen
Classification: Likely benign. Last evaluated: 2022-12-01. Review status: criteria provided, single submitter. Criteria: CeGaT Center For Human Genetics Tuebingen Variant Classification Criteria Version 2. Collection method: clinical testing. Allele origin: germline. Affected: yes. Observed: 1 variant allele.
Comment: CPED1: BP4, BS2